The following is an entry in ClinVar:

NM_020975.6(RET):c.584T>C (p.Phe195Ser)

Gene: RET (ret proto-oncogene; plus strand). Cytogenetic location: 10q11.21.
Variant type: single nucleotide variant.
Coding change: c.584T>C on transcript NM_020975.6 (MANE Select); coding-DNA position 584, T replaced by C.
Protein change: p.Phe195Ser; replaces phenylalanine 195 with serine.
Molecular consequence: missense variant. On other transcripts: intron variant (15).
Genome position (GRCh38, 1-based): chr10:43,102,588, T>C. VCF-style: chr10-43102588-T-C. GRCh37 (hg19) VCF-style: chr10-43598036-T-C.
Other names: c.584T>C, p.Phe195Ser (NM_001406760.1, NM_001406763.1, NM_001406765.1 and 14 more transcripts); c.455T>C, p.Phe152Ser (NM_001406761.1, NM_001406762.1, NM_001406764.1 and 4 more transcripts); c.337+1866T>C (NM_001406770.1, NM_001406766.1, NM_001406767.1 and 8 more transcripts); c.74-6443T>C (NM_001406784.1); c.74-9511T>C (NM_001406794.1, NM_001406792.1, NM_001406793.1); short protein forms F152S, F195S.
Identifiers: ClinVar variation 4863278 (VCV004863278.1).

ClinVar aggregate classification (germline): Uncertain significance (1 of 4 stars; one submission).

Conditions:
Hereditary cancer-predisposing syndrome. Also called: Neoplastic Syndromes, Hereditary; Tumor predisposition; Hereditary Cancer Syndrome; Hereditary neoplastic syndrome. Identifiers: Orphanet 140162, MedGen C0027672, MeSH D009386, MONDO:0015356.

Submission:

Ambry Genetics
Classification: Uncertain significance for Hereditary cancer-predisposing syndrome. Last evaluated: 2026-05-19. Review status: criteria provided, single submitter. Criteria: Ambry Variant Classification Scheme 2023. Collection method: clinical testing. Allele origin: germline.
Comment: The p.F195S variant (also known as c.584T>C), located in coding exon 3 of the RET gene, results from a T to C substitution at nucleotide position 584. The phenylalanine at codon 195 is replaced by serine, an amino acid with highly dissimilar properties. This amino acid position is conserved. In addition, this alteration is predicted to be tolerated by in silico analysis. Based on the available evidence, the clinical significance of this variant remains unclear.